The following is an entry in ClinVar:

ClinVar aggregate classification (germline): Benign. Review status: criteria provided, multiple submitters, no conflicts (2 of 4 stars). 3 submissions from 3 submitters: Benign (2). 1 of the submissions does not count toward it. Last evaluated 2019-12-31.

Conditions:
MYO9A-related disorder. Also called: MYO9A-related condition.

Allele frequency attached by ClinVar (database versions not stated): ESP Exome Variant Server 0.00100; gnomAD 0.00136 and 0.00211; TOPMed 0.00180; gnomAD exomes 0.00232 and 0.00448; ExAC 0.00442; 1000 Genomes Project 30x 0.00812; 1000 Genomes Project 0.00899.
gnomAD v4.1: 3,903 of 1,614,060 alleles (0.24%); highest among the groups gnomAD compares: East Asian, 2.7%; 61 homozygotes.

Submissions (3):

Labcorp Genetics (formerly Invitae), Labcorp
Classification: Benign. Last evaluated: 2019-12-31. Review status: criteria provided, single submitter. Criteria: Invitae Variant Classification Sherloc (09022015). Collection method: clinical testing. Allele origin: germline.

Breakthrough Genomics
Classification: Benign. Review status: criteria provided, single submitter. Criteria: ACMG Guidelines, 2015. Collection method: not provided. Allele origin: germline. Inheritance: Autosomal recessive inheritance. Affected: yes.

PreventionGenetics, part of Exact Sciences
Classification: Benign for MYO9A-related condition. Last evaluated: 2019-02-20. Review status: no assertion criteria provided. Collection method: clinical testing. Allele origin: germline. Not counted in ClinVar's aggregate classification.
Comment: This variant is classified as benign based on ACMG/AMP sequence variant interpretation guidelines (Richards et al. 2015 PMID: 25741868, with internal and published modifications).

NM_006901.4(MYO9A):c.4427C>G (p.Pro1476Arg)

Gene: MYO9A (myosin IXA; minus strand). Cytogenetic location: 15q23.
Variant type: single nucleotide variant.
Coding change: c.4427C>G on transcript NM_006901.4 (MANE Select); coding-DNA position 4427, C replaced by G.
Protein change: p.Pro1476Arg; replaces proline 1476 with arginine.
Molecular consequence: missense variant.
Genome position (GRCh38, 1-based): chr15:71,898,076, G>C on the plus strand (C>G on the coding strand, the complement: MYO9A is on the minus strand). VCF-style: chr15-71898076-G-C. GRCh37 (hg19) VCF-style: chr15-72190417-G-C.
Other names: short protein forms P1476R.
Identifiers: ClinVar variation 774942 (VCV000774942.7), dbSNP rs16956375, ClinGen allele CA7641412.
Genomic context (GRCh38, chr15:71,898,076, plus strand): 5'-TCAGTGTTTAGCTTTTCTAACTTCTTAAGCACAGGATTAGAAGACTCTGTATTCAAAGAA[G>C]GAACAATCTGATCTTTTCCTGAGCAGTGATACCTTCTAGTTTCCCTGTTGATATCCAAAG-3'
Protein context (NP_008832.2, residues 1466-1486): YHCSGKDQIV[Pro1476Arg]SLNTESSNPV